The following is an entry in ClinVar:

NM_021146.4(ANGPTL7):c.377-3T>C

Genes: ANGPTL7 (angiopoietin like 7; plus strand), MTOR (mechanistic target of rapamycin kinase; minus strand). Cytogenetic location: 1p36.22.
Variant type: single nucleotide variant.
Coding change: c.377-3T>C on transcript NM_021146.4 (MANE Select); 3 bases into the intron before coding-DNA position 377, T replaced by C.
Molecular consequence: intron variant.
Genome position (GRCh38, 1-based): chr1:11,192,267, T>C. VCF-style: chr1-11192267-T-C. GRCh37 (hg19) VCF-style: chr1-11252324-T-C.
Other names: c.3005+6991A>G (NM_001386501.1); c.4253+6991A>G (NM_004958.4, NM_001386500.1).
Identifiers: ClinVar variation 3387867 (VCV003387867.14).

ClinVar aggregate classification (germline): Likely benign (1 of 4 stars; one submission).

gnomAD v4.1: 6,169 of 1,610,574 alleles (0.38%); highest among the groups gnomAD compares: Middle Eastern, 0.65%; 28 homozygotes.

Submission:

CeGaT Center for Human Genetics Tuebingen
Classification: Likely benign. Last evaluated: 2026-08-01. Review status: criteria provided, single submitter. Criteria: CeGaT Center For Human Genetics Tuebingen Variant Classification Criteria Version 2. Collection method: clinical testing. Allele origin: germline. Affected: yes. Observed: 19 variant alleles.
Comment: ANGPTL7: BP4, BS2